The following is an entry in ClinVar:

NM_004341.5(CAD):c.246C>G (p.His82Gln)

Gene: CAD (carbamoyl-phosphate synthetase 2, aspartate transcarbamylase, and dihydroorotase; plus strand). Cytogenetic location: 2p23.3.
Variant type: single nucleotide variant.
Coding change: c.246C>G on transcript NM_004341.5 (MANE Select); coding-DNA position 246, C replaced by G.
Protein change: p.His82Gln; replaces histidine 82 with glutamine.
Molecular consequence: missense variant.
Genome position (GRCh38, 1-based): chr2:27,221,241, C>G. VCF-style: chr2-27221241-C-G. GRCh37 (hg19) VCF-style: chr2-27444109-C-G.
Other names: c.246C>G, p.His82Gln (NM_001306079.2); short protein forms H82Q.
Identifiers: ClinVar variation 1356156 (VCV001356156.6), dbSNP rs146668657, ClinGen allele CA346197562.
Genomic context (GRCh38, chr2:27,221,241, plus strand): 5'-TGGCCTGAGGCTTCTCACAATCTCTTTCCATCTACAGTGGTTTGAATCCTCGGGCATCCA[C>G]GTAGCAGCACTGGTAGTGGGAGAGTGCTGTCCTACTCCCAGCCACTGGAGTGCCACCCGC-3'
Protein context (NP_004332.2, residues 72-92): LCKWFESSGI[His82Gln]VAALVVGECC

ClinVar aggregate classification (germline): Uncertain significance (1 of 4 stars; one submission).

Submission:

Labcorp Genetics (formerly Invitae), Labcorp
Classification: Uncertain significance. Last evaluated: 2020-12-13. Review status: criteria provided, single submitter. Criteria: Invitae Variant Classification Sherloc (09022015). Collection method: clinical testing. Allele origin: germline.
Comment: In summary, the available evidence is currently insufficient to determine the role of this variant in disease. Therefore, it has been classified as a Variant of Uncertain Significance. Algorithms developed to predict the effect of sequence changes on RNA splicing suggest that this variant may create or strengthen a splice site, but this prediction has not been confirmed by published transcriptional studies. Algorithms developed to predict the effect of missense changes on protein structure and function (SIFT, PolyPhen-2, Align-GVGD) all suggest that this variant is likely to be tolerated, but these predictions have not been confirmed by published functional studies and their clinical significance is uncertain. This variant has not been reported in the literature in individuals with CAD-related conditions. This variant is not present in population databases (ExAC no frequency). This sequence change replaces histidine with glutamine at codon 82 of the CAD protein (p.His82Gln). The histidine residue is moderately conserved and there is a small physicochemical difference between histidine and glutamine.